The following is an entry in ClinVar:

ClinVar aggregate classification (germline): Uncertain significance (1 of 4 stars; one submission).

Conditions:
Inborn genetic diseases. Identifiers: MedGen C0950123, MeSH D030342.

Submission:

Ambry Genetics
Classification: Uncertain significance for Inborn genetic diseases. Last evaluated: 2026-06-09. Review status: criteria provided, single submitter. Criteria: Ambry Variant Classification Scheme 2023. Collection method: clinical testing. Allele origin: germline.
Comment: The p.K280M variant (also known as c.839A>T), located in coding exon 3 of the SH2B3 gene, results from an A to T substitution at nucleotide position 839. The lysine at codon 280 is replaced by methionine, an amino acid with similar properties. This amino acid position is conserved. In addition, this alteration is predicted to be tolerated by in silico analysis. Based on the available evidence, the clinical significance of this variant remains unclear.

NM_005475.3(SH2B3):c.839A>T (p.Lys280Met)

Gene: SH2B3 (SH2B adaptor protein 3; plus strand). Cytogenetic location: 12q24.12.
Variant type: single nucleotide variant.
Coding change: c.839A>T on transcript NM_005475.3 (MANE Select); coding-DNA position 839, A replaced by T.
Protein change: p.Lys280Met; replaces lysine 280 with methionine.
Molecular consequence: missense variant.
Genome position (GRCh38, 1-based): chr12:111,446,946, A>T. VCF-style: chr12-111446946-A-T. GRCh37 (hg19) VCF-style: chr12-111884750-A-T.
Other names: c.233A>T, p.Lys78Met (NM_001291424.1); short protein forms K280M, K78M.
Identifiers: ClinVar variation 4864469 (VCV004864469.1).